The following is an entry in ClinVar:

ClinVar aggregate classification (germline): Likely benign. Review status: criteria provided, multiple submitters, no conflicts (2 of 4 stars). 3 submissions from 3 submitters: Likely benign (3). Last evaluated 2025-04-02.

Conditions:
KCNV2-related disorder. Also called: KCNV2-related condition.

Allele frequency attached by ClinVar (database versions not stated): TOPMed below 0.00001; ExAC 0.00004.
gnomAD v4.1: 5 of 1,603,130 alleles (0.00031%); highest among the groups gnomAD compares: South Asian, 0.0033%; no homozygotes.

Submissions (3):

PreventionGenetics, part of Exact Sciences
Classification: Likely benign for KCNV2-related condition. Last evaluated: 2025-04-02. Review status: criteria provided, single submitter. Criteria: ACMG Guidelines, 2015. Collection method: clinical testing. Allele origin: germline.
Comment: This variant is classified as likely benign based on ACMG/AMP sequence variant interpretation guidelines (Richards et al. 2015 PMID: 25741868, with internal and published modifications).

Blueprint Genetics
Classification: Likely benign. Last evaluated: 2024-11-13. Review status: criteria provided, single submitter. Criteria: ACMG Guidelines, 2015. Collection method: clinical testing. Allele origin: germline.

Labcorp Genetics (formerly Invitae), Labcorp
Classification: Likely benign. Last evaluated: 2024-05-07. Review status: criteria provided, single submitter. Criteria: Invitae Variant Classification Sherloc (09022015). Collection method: clinical testing. Allele origin: germline.

NM_133497.4(KCNV2):c.672G>C (p.Ala224=)

Gene: KCNV2 (potassium voltage-gated channel modifier subfamily V member 2; plus strand). Cytogenetic location: 9p24.2.
Variant type: single nucleotide variant.
Coding change: c.672G>C on transcript NM_133497.4 (MANE Select); coding-DNA position 672, G replaced by C.
Protein change: p.Ala224=; no amino-acid change (alanine 224 retained).
Molecular consequence: synonymous variant.
Genome position (GRCh38, 1-based): chr9:2,718,411, G>C. VCF-style: chr9-2718411-G-C. GRCh37 (hg19) VCF-style: chr9-2718411-G-C.
Other names: c.672G>C (NM_133497.3).
Identifiers: ClinVar variation 2162539 (VCV002162539.6), dbSNP rs763616186, ClinGen allele CA4965570.